The following is an entry in ClinVar:

NM_000400.4(ERCC2):c.2111C>T (p.Ala704Val)

Gene: ERCC2 (ERCC excision repair 2, TFIIH core complex helicase subunit; minus strand). Cytogenetic location: 19q13.32.
Variant type: single nucleotide variant.
Coding change: c.2111C>T on transcript NM_000400.4 (MANE Select); coding-DNA position 2111, C replaced by T.
Protein change: p.Ala704Val; replaces alanine 704 with valine.
Molecular consequence: missense variant.
Genome position (GRCh38, 1-based): chr19:45,352,288, G>A on the plus strand (C>T on the coding strand, the complement: ERCC2 is on the minus strand). VCF-style: chr19-45352288-G-A. GRCh37 (hg19) VCF-style: chr19-45855546-G-A.
Other names: short protein forms A704V.
Identifiers: ClinVar variation 1441771 (VCV001441771.10), dbSNP rs756273306, ClinGen allele CA9512885.
Genomic context (GRCh38, chr19:45,352,288, plus strand): 5'-ATCTGCCGCAGGAAGTACTTGGCCACCTGGACACCCTCGTCCACGGTCAGGTTGAGGTTG[G>A]CATCTGTGAGGTGCTCCTGGATCCAGCGGGGCAGCTTCCCCCGCTTGTCCCCACGGGCAA-3'
Protein context (NP_000391.1, residues 694-714): PRWIQEHLTD[Ala704Val]NLNLTVDEGV

ClinVar aggregate classification (germline): Uncertain significance. Review status: criteria provided, multiple submitters, no conflicts (2 of 4 stars). 2 submissions from 2 submitters: Uncertain significance (2). Last evaluated 2023-12-10.

Conditions:
Inborn genetic diseases. Identifiers: MedGen C0950123, MeSH D030342.

Allele frequency attached by ClinVar (database versions not stated): gnomAD exomes below 0.00001; ExAC 0.00001; gnomAD 0.00002; TOPMed 0.00002.
gnomAD v4.1: 3 of 1,613,980 alleles (0.00019%); highest among the groups gnomAD compares: African/African-American, 0.004%; no homozygotes.

Submissions (2):

Ambry Genetics
Classification: Uncertain significance for Inborn genetic diseases. Last evaluated: 2023-12-10. Review status: criteria provided, single submitter. Criteria: Ambry Variant Classification Scheme 2023. Collection method: clinical testing. Allele origin: germline.
Comment: The p.A704V variant (also known as c.2111C>T), located in coding exon 22 of the ERCC2 gene, results from a C to T substitution at nucleotide position 2111. The alanine at codon 704 is replaced by valine, an amino acid with similar properties. This amino acid position is conserved. In addition, the in silico prediction for this alteration is inconclusive. Since supporting evidence is limited at this time, the clinical significance of this alteration remains unclear.

Labcorp Genetics (formerly Invitae), Labcorp
Classification: Uncertain significance. Last evaluated: 2021-04-09. Review status: criteria provided, single submitter. Criteria: Invitae Variant Classification Sherloc (09022015). Collection method: clinical testing. Allele origin: germline.
Comment: This variant is present in population databases (rs756273306, ExAC 0.01%). This variant has not been reported in the literature in individuals with ERCC2-related conditions. Algorithms developed to predict the effect of missense changes on protein structure and function are either unavailable or do not agree on the potential impact of this missense change (SIFT: "Deleterious"; PolyPhen-2: "Benign"; Align-GVGD: "Class C0"). In summary, the available evidence is currently insufficient to determine the role of this variant in disease. Therefore, it has been classified as a Variant of Uncertain Significance. This sequence change replaces alanine with valine at codon 704 of the ERCC2 protein (p.Ala704Val). The alanine residue is weakly conserved and there is a small physicochemical difference between alanine and valine.